The following is an entry in ClinVar:

NM_005502.4(ABCA1):c.*1586A>G

Genes: ABCA1 (ATP binding cassette subfamily A member 1; minus strand), NIPSNAP3B (nipsnap homolog 3B; plus strand). Cytogenetic location: 9q31.1.
Variant type: single nucleotide variant.
Coding change: c.*1586A>G on transcript NM_005502.4 (MANE Select); 1586 bases downstream of the stop codon, A replaced by G.
Molecular consequence: 3 prime UTR variant.
Genome position (GRCh38, 1-based): chr9:104,782,729, T>C on the plus strand (A>G on the coding strand, the complement: ABCA1 is on the minus strand). VCF-style: chr9-104782729-T-C. GRCh37 (hg19) VCF-style: chr9-107545010-T-C.
Identifiers: ClinVar variation 364346 (VCV000364346.5), dbSNP rs75340923, ClinGen allele CA10631997.

ClinVar aggregate classification (germline): Benign/Likely benign. Review status: criteria provided, single submitter (1 of 4 stars). 2 submissions from 1 submitter: Benign (1); Likely benign (1). Last evaluated 2018-01-13.

Conditions:
Hypoalphalipoproteinemia, primary, 1. Identifiers: Orphanet 425, MedGen C5231558, MONDO:0011393, OMIM 604091.
Tangier disease (TGD). Also called: HIGH DENSITY LIPOPROTEIN DEFICIENCY, TANGIER TYPE; HIGH DENSITY LIPOPROTEIN DEFICIENCY, TYPE 1; Cholesterol thesaurismosis. Identifiers: Orphanet 31150, MedGen C0039292, MONDO:0008783, OMIM 205400.

Allele frequency attached by ClinVar (database versions not stated): gnomAD 0.00014 and 0.00025; TOPMed 0.00025; 1000 Genomes Project 30x 0.00047; 1000 Genomes Project 0.00060.

Submissions (2):

Illumina Laboratory Services, Illumina
Classification: Likely benign for Tangier disease. Last evaluated: 2018-01-13. Review status: criteria provided, single submitter. Criteria: ICSL Variant Classification Criteria 13 December 2019. Collection method: clinical testing. Allele origin: germline.
Comment: This variant was observed in the ICSL laboratory as part of a predisposition screen in an ostensibly healthy population. It had not been previously curated by ICSL or reported in the Human Gene Mutation Database (HGMD: prior to June 1st, 2018), and was therefore a candidate for classification through an automated scoring system. Utilizing variant allele frequency, disease prevalence and penetrance estimates, and inheritance mode, an automated score was calculated to assess if this variant is too frequent to cause the disease. Based on the score and internal cut-off values, a variant classified as likely benign is not then subjected to further curation. The score for this variant resulted in a classification of likely benign for this disease.

Illumina Laboratory Services, Illumina
Classification: Benign for Hypoalphalipoproteinemia, primary, 1. Last evaluated: 2018-01-13. Review status: criteria provided, single submitter. Criteria: ICSL Variant Classification Criteria 13 December 2019. Collection method: clinical testing. Allele origin: germline.
Comment: This variant was observed in the ICSL laboratory as part of a predisposition screen in an ostensibly healthy population. It had not been previously curated by ICSL or reported in the Human Gene Mutation Database (HGMD: prior to June 1st, 2018), and was therefore a candidate for classification through an automated scoring system. Utilizing variant allele frequency, disease prevalence and penetrance estimates, and inheritance mode, an automated score was calculated to assess if this variant is too frequent to cause the disease. Based on the score and internal cut-off values, a variant classified as benign is not then subjected to further curation. The score for this variant resulted in a classification of benign for this disease.